The following is an entry in ClinVar:

NM_014491.4(FOXP2):c.543G>A (p.Gln181=)

Gene: FOXP2 (forkhead box P2; plus strand). Cytogenetic location: 7q31.1.
Variant type: single nucleotide variant.
Coding change: c.543G>A on transcript NM_014491.4 (MANE Select); coding-DNA position 543, G replaced by A.
Protein change: p.Gln181=; no amino-acid change (glutamine 181 retained).
Molecular consequence: synonymous variant. On other transcripts: non-coding transcript variant (2).
Genome position (GRCh38, 1-based): chr7:114,629,951, G>A. VCF-style: chr7-114629951-G-A. GRCh37 (hg19) VCF-style: chr7-114270006-G-A.
Other names: c.543G>A, p.Gln181= (NM_001172766.3, NM_148899.3); c.618G>A, p.Gln206= (NM_001172767.2, NM_148898.4); c.594G>A, p.Gln198= (NM_148900.4).
Identifiers: ClinVar variation 3905188 (VCV003905188.10).

ClinVar aggregate classification (germline): Likely benign (1 of 4 stars; one submission).

gnomAD v4.1: 2 of 1,611,326 alleles (0.00012%); highest among the groups gnomAD compares: Non-Finnish European, 0.00017%; no homozygotes.

Submission:

CeGaT Center for Human Genetics Tuebingen
Classification: Likely benign. Last evaluated: 2025-05-01. Review status: criteria provided, single submitter. Criteria: CeGaT Center For Human Genetics Tuebingen Variant Classification Criteria Version 2. Collection method: clinical testing. Allele origin: germline. Affected: yes. Observed: 1 variant allele.
Comment: FOXP2: BP4, BP7